The following is an entry in ClinVar:

ClinVar aggregate classification (germline): Uncertain significance. Review status: criteria provided, multiple submitters, no conflicts (2 of 4 stars). 3 submissions from 3 submitters: Uncertain significance (3). Last evaluated 2025-02-28.

Conditions:
Inborn genetic diseases. Identifiers: MedGen C0950123, MeSH D030342.
Mitochondrial DNA depletion syndrome 9 (MTDPS9). Also called: SUCLG1-Related Mitochondrial DNA Depletion Syndrome, Encephalomyopathic Form with Methylmalonic Aciduria. Identifiers: Orphanet 17, MedGen C3151476, MONDO:0009504, OMIM 245400.

Allele frequency attached by ClinVar (database versions not stated): gnomAD 0.00001 and 0.00002; gnomAD exomes 0.00002 and 0.00006; TOPMed 0.00003; ExAC 0.00004.
gnomAD v4.1: 41 of 1,613,990 alleles (0.0025%); highest among the groups gnomAD compares: Middle Eastern, 0.016%; no homozygotes.

Submissions (3):

GeneDx
Classification: Uncertain significance. Last evaluated: 2025-02-28. Review status: criteria provided, single submitter. Criteria: GeneDx Variant Classification Process June 2021. Collection method: clinical testing. Allele origin: germline. Affected: yes.
Comment: In silico analysis supports that this missense variant has a deleterious effect on protein structure/function; Has not been previously published as pathogenic or benign to our knowledge

Ambry Genetics
Classification: Uncertain significance for Inborn genetic diseases. Last evaluated: 2024-05-26. Review status: criteria provided, single submitter. Criteria: Ambry Variant Classification Scheme 2023. Collection method: clinical testing. Allele origin: germline.

Labcorp Genetics (formerly Invitae), Labcorp
Classification: Uncertain significance for Mitochondrial DNA depletion syndrome 9. Last evaluated: 2022-04-19. Review status: criteria provided, single submitter. Criteria: Invitae Variant Classification Sherloc (09022015). Collection method: clinical testing. Allele origin: germline.
Comment: This sequence change replaces alanine, which is neutral and non-polar, with glycine, which is neutral and non-polar, at codon 113 of the SUCLG1 protein (p.Ala113Gly). This variant is present in population databases (rs200123223, gnomAD 0.06%). This variant has not been reported in the literature in individuals affected with SUCLG1-related conditions. ClinVar contains an entry for this variant (Variation ID: 567097). Algorithms developed to predict the effect of missense changes on protein structure and function are either unavailable or do not agree on the potential impact of this missense change (SIFT: "Tolerated"; PolyPhen-2: "Possibly Damaging"; Align-GVGD: "Class C0"). In summary, the available evidence is currently insufficient to determine the role of this variant in disease. Therefore, it has been classified as a Variant of Uncertain Significance.

NM_003849.4(SUCLG1):c.338C>G (p.Ala113Gly)

Gene: SUCLG1 (succinate-CoA ligase GDP/ADP-forming subunit alpha; minus strand). Cytogenetic location: 2p11.2.
Variant type: single nucleotide variant.
Coding change: c.338C>G on transcript NM_003849.4 (MANE Select); coding-DNA position 338, C replaced by G.
Protein change: p.Ala113Gly; replaces alanine 113 with glycine.
Molecular consequence: missense variant.
Genome position (GRCh38, 1-based): chr2:84,441,440, G>C on the plus strand (C>G on the coding strand, the complement: SUCLG1 is on the minus strand). VCF-style: chr2-84441440-G-C. GRCh37 (hg19) VCF-style: chr2-84668564-G-C.
Other names: short protein forms A113G.
Identifiers: ClinVar variation 567097 (VCV000567097.8), dbSNP rs200123223, ClinGen allele CA1736331.